The following is an entry in ClinVar:

NM_015378.4(VPS13D):c.10215_10216insAAA (p.Leu3405_Asp3406insLys)

Gene: VPS13D (vacuolar protein sorting 13 homolog D; plus strand). Cytogenetic location: 1p36.22.
Variant type: Insertion.
Coding change: c.10215_10216insAAA on transcript NM_015378.4 (MANE Select); coding-DNA positions 10215 to 10216, AAA inserted.
Protein change: p.Leu3405_Asp3406insLys.
Molecular consequence: inframe insertion.
Genome position: GRCh38 VCF-style: chr1-12362792-T-TAAA. GRCh37 (hg19) VCF-style: chr1-12422848-T-TAAA.
Other names: c.10140_10141insAAA, p.Leu3380_Asp3381insLys (NM_018156.4).
Identifiers: ClinVar variation 4086464 (VCV004086464.2).
Genomic context (GRCh38, chr1:12,362,792, plus strand): 5'-AGAAAGGCCGAGGTCGATACATTGATACCTGCATGGTCATCTTTGCCCCCCGTTACCTGT[T>TAAA]AGATAATAAATCATCTCACAAGCTTGCATTTGCACAGAGGGAATTTGCCAGGGGACAGGT-3'

ClinVar aggregate classification (germline): Uncertain significance (1 of 4 stars; one submission).

Submission:

GeneDx
Classification: Uncertain significance. Last evaluated: 2026-02-18. Review status: criteria provided, single submitter. Criteria: GeneDx Variant Classification Process June 2021. Collection method: clinical testing. Allele origin: germline.
Comment: Not observed at significant frequency in large population cohorts (gnomAD); In-frame insertion of 1 amino acid(s) in a non-repeat region; Has not been previously published as pathogenic or benign to our knowledge